The following is an entry in ClinVar:

NM_001369.3(DNAH5):c.3248A>T (p.Glu1083Val)

Genes: DNAH5 (dynein axonemal heavy chain 5; minus strand), DNAH5-AS1 (DNAH5 antisense RNA 1; plus strand). Cytogenetic location: 5p15.2.
Variant type: single nucleotide variant.
Coding change: c.3248A>T on transcript NM_001369.3 (MANE Select); coding-DNA position 3248, A replaced by T.
Protein change: p.Glu1083Val; replaces glutamic acid 1083 with valine.
Molecular consequence: missense variant.
Genome position (GRCh38, 1-based): chr5:13,882,742, T>A on the plus strand (A>T on the coding strand, the complement: DNAH5 is on the minus strand). VCF-style: chr5-13882742-T-A. GRCh37 (hg19) VCF-style: chr5-13882851-T-A.
Other names: short protein forms E1083V.
Identifiers: ClinVar variation 1729362 (VCV001729362.22), dbSNP rs370697884, ClinGen allele CA3204348.

ClinVar aggregate classification (germline): Conflicting classifications of pathogenicity. Review status: criteria provided, conflicting classifications (1 of 4 stars). 4 submissions from 4 submitters: Uncertain significance (3); Likely benign (1). Last evaluated 2025-06-18.

Conditions:
Primary ciliary dyskinesia. Also called: Ciliary dyskinesia. Identifiers: Orphanet 244, MedGen C0008780, MONDO:0016575, HP:0012265.

Allele frequency attached by ClinVar (database versions not stated): TOPMed 0.00003; gnomAD 0.00004; gnomAD exomes 0.00011; ExAC 0.00012; ESP Exome Variant Server 0.00015.
gnomAD v4.1: 162 of 1,613,274 alleles (0.01%); highest among the groups gnomAD compares: Admixed American, 0.013%; no homozygotes.

Submissions (4):

Labcorp Genetics (formerly Invitae), Labcorp
Classification: Likely benign for Primary ciliary dyskinesia. Last evaluated: 2025-06-18. Review status: criteria provided, single submitter. Criteria: Invitae Variant Classification Sherloc (09022015). Collection method: clinical testing. Allele origin: germline.

CeGaT Center for Human Genetics Tuebingen
Classification: Uncertain significance. Last evaluated: 2024-09-01. Review status: criteria provided, single submitter. Criteria: CeGaT Center For Human Genetics Tuebingen Variant Classification Criteria Version 2. Collection method: clinical testing. Allele origin: germline. Affected: yes. Observed: 1 variant allele.
Comment: DNAH5: PM2:Supporting, BP4

Women's Health and Genetics/Laboratory Corporation of America, LabCorp
Classification: Uncertain significance. Last evaluated: 2023-12-12. Review status: criteria provided, single submitter. Criteria: LabCorp Variant Classification Summary - May 2015. Collection method: clinical testing. Allele origin: germline.
Comment: Variant summary: DNAH5 c.3248A>T (p.Glu1083Val) results in a non-conservative amino acid change in the encoded protein sequence. Three of five in-silico tools predict a benign effect of the variant on protein function. The variant allele was found at a frequency of 8e-05 in 251142 control chromosomes (i.e., 20 heterozygotes, no homozygotes; gnomAD v2.1.1 Exomes dataset). The available data on variant occurrences in the general population are insufficient to allow any conclusion about variant significance. c.3248A>T has been reported in the literature in a compound heterozygous sibling pair affected with nephronophthisis-related ciliopathy (e.g., Hurd_2013), however without strong evidence for causality due to the presence of additional co-occurring variants. This report therefore does not provide unequivocal conclusions about association of the variant with Primary ciliary dyskinesia 3. To our knowledge, no experimental evidence demonstrating an impact on protein function has been reported. The following publication was ascertained in the context of this evaluation (PMID: 23661805). Two submitters have reported clinical-significance assessments for this variant to ClinVar after 2014. One submitter classified the variant as likely benign, and one submitter classified the variant as uncertain significance. Based on the evidence outlined above, the variant was classified as uncertain significance.

Ambry Genetics
Classification: Uncertain significance for Primary ciliary dyskinesia. Last evaluated: 2022-09-12. Review status: criteria provided, single submitter. Criteria: Ambry Variant Classification Scheme 2023. Collection method: clinical testing. Allele origin: germline.
Comment: The p.E1083V variant (also known as c.3248A>T), located in coding exon 21 of the DNAH5 gene, results from an A to T substitution at nucleotide position 3248. The glutamic acid at codon 1083 is replaced by valine, an amino acid with dissimilar properties. This amino acid position is conserved. In addition, this alteration is predicted to be tolerated by in silico analysis. Since supporting evidence is limited at this time, the clinical significance of this alteration remains unclear.

Literature cited by the submitters: PubMed 23661805 (cited by Women's Health and Genetics/Laboratory Corporation of America, LabCorp).